The following is an entry in ClinVar:

ClinVar aggregate classification (germline): Pathogenic/Likely pathogenic. Review status: criteria provided, multiple submitters, no conflicts (2 of 4 stars). 3 submissions from 3 submitters: Pathogenic (1); Likely pathogenic (1). 1 of the submissions does not count toward it. Last evaluated 2025-07-02.

Conditions:
Intellectual disability, autosomal dominant 16 (CSS4). Also called: COFFIN-SIRIS SYNDROME 4. Identifiers: Orphanet 1465, MedGen C3553249, MONDO:0013821, OMIM 614609.

Submissions (3):

Dasa
Classification: Likely pathogenic for Intellectual disability, autosomal dominant 16. Last evaluated: 2025-07-02. Review status: criteria provided, single submitter. Criteria: DASA Assertion Criteria. Collection method: clinical testing. Allele origin: germline.
Comment: NM_003072.5(SMARCA4):c.1636_1638del (p.Lys546del) is an in-frame deletion predicted to remove lysine at protein position 546 without shifting the reading frame. This variant has been reported in individuals with SMARCA4-related disorders (PMID: 22426308). This variant has been reported as a de novo occurrence in an affected individual (PMID: 22426308). Also, this variant is absent from population databases. Based on the currently available evidence, this variant is classified as likely pathogenic.

GeneDx
Classification: Pathogenic. Last evaluated: 2022-06-20. Review status: criteria provided, single submitter. Criteria: GeneDx Variant Classification Process June 2021. Collection method: clinical testing. Allele origin: germline. Affected: yes.
Comment: Not observed in large population cohorts (gnomAD); In-frame deletion of 1 amino acid in a non-repeat region; This variant is associated with the following publications: (PMID: 25168959, 23815551, 23010866, 24700502, 24090879, 23637025, 22426308)

OMIM
Classification: Pathogenic for COFFIN-SIRIS SYNDROME 4. Last evaluated: 2012-03-18. Review status: no assertion criteria provided. Collection method: literature only. Allele origin: germline. Not counted in ClinVar's aggregate classification.

Literature cited by the submitters: PubMed 25168959 (cited by Dasa); PubMed 22426308 (cited by Dasa and OMIM); PubMed 23815551 (cited by Dasa); PubMed 24700502 (cited by Dasa); PubMed 23637025 (cited by Dasa).

NM_003072.5(SMARCA4):c.1633AAG[1] (p.Lys546del)

Gene: SMARCA4 (SWI/SNF related BAF chromatin remodeling complex subunit ATPase 4; plus strand). Cytogenetic location: 19p13.2.
Variant type: Microsatellite.
Coding change: c.1633AAG[1] on transcript NM_003072.5 (MANE Select); one copy of the 3-base unit AAG starting at c.1633; the reference has two copies in a row; one copy, 3 bases deleted; also written c.1636_1638del.
Protein change: p.Lys546del; deletes lysine 546.
Molecular consequence: inframe deletion. On other transcripts: non-coding transcript variant (1).
Genome position (GRCh38, 1-based): chr19:10,996,255-10,996,257, AAG deleted; deleting any 3 consecutive bases within chr19:10,996,250-10,996,257 gives the same sequence; the position shown is the placement nearest the transcript's 3' end. VCF-style (leftmost placement, unchanged base first): chr19-10996249-CAGA-C. GRCh37 (hg19) VCF-style: chr19-11106925-CAGA-C.
Other names: c.1633AAG[1], p.Lys546del (NM_001128844.3, NM_001128845.2, NM_001128846.2 and 5 more transcripts); c.1636_1638del (NM_003072.5).
Identifiers: ClinVar variation 30342 (VCV000030342.5), dbSNP rs876657378, ClinGen allele CA10575551.